The following is an entry in ClinVar:

ClinVar aggregate classification (germline): Uncertain significance (1 of 4 stars; one submission).

gnomAD v4.1: 13 of 1,547,390 alleles (0.00084%); highest among the groups gnomAD compares: Non-Finnish European, 0.0011%; no homozygotes.

Submission:

Labcorp Genetics (formerly Invitae), Labcorp
Classification: Uncertain significance. Last evaluated: 2024-09-04. Review status: criteria provided, single submitter. Criteria: Invitae Variant Classification Sherloc (09022015). Collection method: clinical testing. Allele origin: germline.
Comment: This sequence change falls in intron 1 of the TGDS gene. It does not directly change the encoded amino acid sequence of the TGDS protein. It affects a nucleotide within the consensus splice site. This variant is present in population databases (rs756788268, gnomAD 0.001%). This variant has not been reported in the literature in individuals affected with TGDS-related conditions. Variants that disrupt the consensus splice site are a relatively common cause of aberrant splicing (PMID: 17576681, 9536098). Algorithms developed to predict the effect of sequence changes on RNA splicing suggest that this variant is not likely to affect RNA splicing. In summary, the available evidence is currently insufficient to determine the role of this variant in disease. Therefore, it has been classified as a Variant of Uncertain Significance.

Literature cited by the submitters: PubMed 17576681; PubMed 9536098.

NM_014305.4(TGDS):c.87-3T>C

Gene: TGDS (TDP-glucose 4,6-dehydratase; minus strand). Cytogenetic location: 13q32.1.
Variant type: single nucleotide variant.
Coding change: c.87-3T>C on transcript NM_014305.4 (MANE Select); 3 bases into the intron before coding-DNA position 87, T replaced by C.
Molecular consequence: intron variant.
Genome position (GRCh38, 1-based): chr13:94,593,910, A>G on the plus strand (T>C on the coding strand, the complement: TGDS is on the minus strand). VCF-style: chr13-94593910-A-G. GRCh37 (hg19) VCF-style: chr13-95246164-A-G.
Other names: c.-10-3T>C (NM_001304430.2).
Identifiers: ClinVar variation 3624507 (VCV003624507.2).